The following is an entry in ClinVar:

ClinVar aggregate classification (germline): Uncertain significance (1 of 4 stars; one submission).

gnomAD v4.1: 1 of 1,613,806 alleles (0.000062%); highest among the groups gnomAD compares: African/African-American, 0.0013%; no homozygotes.

Submission:

Ambry Genetics
Classification: Uncertain significance. Last evaluated: 2024-05-18. Review status: criteria provided, single submitter. Criteria: Ambry Variant Classification Scheme 2023. Collection method: clinical testing. Allele origin: germline.
Comment: The p.N1418I variant (also known as c.4253A>T), located in coding exon 12 of the MLH3 gene, results from an A to T substitution at nucleotide position 4253. The asparagine at codon 1418 is replaced by isoleucine, an amino acid with dissimilar properties. This amino acid position is conserved. In addition, the in silico prediction for this alteration is inconclusive. Since supporting evidence is limited at this time, the clinical significance of this alteration remains unclear.

NM_001040108.2(MLH3):c.4253A>T (p.Asn1418Ile)

Gene: MLH3 (mutL homolog 3; minus strand). Cytogenetic location: 14q24.3.
Variant type: single nucleotide variant.
Coding change: c.4253A>T on transcript NM_001040108.2 (MANE Select); coding-DNA position 4253, A replaced by T.
Protein change: p.Asn1418Ile; replaces asparagine 1418 with isoleucine.
Molecular consequence: missense variant.
Genome position (GRCh38, 1-based): chr14:75,017,191, T>A on the plus strand (A>T on the coding strand, the complement: MLH3 is on the minus strand). VCF-style: chr14-75017191-T-A. GRCh37 (hg19) VCF-style: chr14-75483894-T-A.
Other names: c.4181A>T, p.Asn1394Ile (NM_014381.3); short protein forms N1394I, N1418I.
Identifiers: ClinVar variation 1739106 (VCV001739106.3), dbSNP rs1258839619, ClinGen allele CA390418225.